The following is an entry in ClinVar:

NM_001042492.3(NF1):c.284dup (p.Gly96fs)

Gene: NF1 (neurofibromin 1; plus strand). Cytogenetic location: 17q11.2.
Variant type: Duplication.
Coding change: c.284dup on transcript NM_001042492.3 (MANE Select); coding-DNA position 284, one base duplicated (C; older notation c.284dupC).
Protein change: p.Gly96fs; shifts the reading frame from glycine 96.
Molecular consequence: frameshift variant.
Genome position (GRCh38, 1-based): chr17:31,159,089, C duplicated. VCF-style (leftmost placement, unchanged base first): chr17-31159088-G-GC. GRCh37 (hg19) VCF-style: chr17-29486106-G-GC.
Other names: c.284dup, p.Gly96Trpfs (NM_000267.4); c.284dup, p.Gly96fs (NM_001128147.3); short protein forms G96fs.
Identifiers: ClinVar variation 1073808 (VCV001073808.5), dbSNP rs2143646665, ClinGen allele CA2499223974.

ClinVar aggregate classification (germline): Pathogenic (1 of 4 stars; one submission).

Conditions:
Neurofibromatosis, type 1 (NF1). Also called: NEUROFIBROMATOSIS, TYPE I, SOMATIC; Neurofibromatosis, type I; VON RECKLINGHAUSEN DISEASE; Peripheral type neurofibromatosis. Identifiers: Orphanet 636, MedGen C0027831, MONDO:0018975, OMIM 162200. Disease mechanism: loss of function.

Submission:

Labcorp Genetics (formerly Invitae), Labcorp
Classification: Pathogenic for Neurofibromatosis, type 1. Last evaluated: 2025-07-08. Review status: criteria provided, single submitter. Criteria: Invitae Variant Classification Sherloc (09022015). Collection method: clinical testing. Allele origin: germline.
Comment: This sequence change creates a premature translational stop signal (p.Gly96Trpfs*11) in the NF1 gene. It is expected to result in an absent or disrupted protein product. Loss-of-function variants in NF1 are known to be pathogenic (PMID: 10712197, 23913538). This variant is not present in population databases (gnomAD no frequency). This variant has not been reported in the literature in individuals affected with NF1-related conditions. ClinVar contains an entry for this variant (Variation ID: 1073808). For these reasons, this variant has been classified as Pathogenic.

Literature cited by the submitters: PubMed 10712197; PubMed 23913538.